The following is an entry in ClinVar:

ClinVar aggregate classification (germline): Uncertain significance (1 of 4 stars; one submission).

Conditions:
PLXNA1-related disorder. Also called: PLXNA1-related condition.

Submission:

PreventionGenetics, part of Exact Sciences
Classification: Uncertain significance for PLXNA1-related condition. Last evaluated: 2026-04-14. Review status: criteria provided, single submitter. Criteria: ACMG Guidelines, 2015. Collection method: clinical testing. Allele origin: germline.
Comment: The PLXNA1 c.5090T>C variant is predicted to result in the amino acid substitution p.Leu1697Pro. To our knowledge, this variant has not been reported in the literature or in a large population database (gnomAD), indicating this variant is rare. At this time, the clinical significance of this variant is uncertain due to the absence of conclusive functional and genetic evidence.

NM_032242.4(PLXNA1):c.5090T>C (p.Leu1697Pro)

Gene: PLXNA1 (plexin A1; plus strand). Cytogenetic location: 3q21.3.
Variant type: single nucleotide variant.
Coding change: c.5090T>C on transcript NM_032242.4 (MANE Select); coding-DNA position 5090, T replaced by C.
Protein change: p.Leu1697Pro; replaces leucine 1697 with proline.
Molecular consequence: missense variant.
Genome position (GRCh38, 1-based): chr3:127,030,271, T>C. VCF-style: chr3-127030271-T-C. GRCh37 (hg19) VCF-style: chr3-126749114-T-C.
Other names: short protein forms L1697P.
Identifiers: ClinVar variation 4990987 (VCV004990987.1).